The following is an entry in ClinVar:

NM_032634.4(PIGO):c.3212G>A (p.Arg1071Lys)

Gene: PIGO (phosphatidylinositol glycan anchor biosynthesis class O; minus strand). Cytogenetic location: 9p13.3.
Variant type: single nucleotide variant.
Coding change: c.3212G>A on transcript NM_032634.4 (MANE Select); coding-DNA position 3212, G replaced by A.
Protein change: p.Arg1071Lys; replaces arginine 1071 with lysine.
Molecular consequence: missense variant.
Genome position (GRCh38, 1-based): chr9:35,089,150, C>T on the plus strand (G>A on the coding strand, the complement: PIGO is on the minus strand). VCF-style: chr9-35089150-C-T. GRCh37 (hg19) VCF-style: chr9-35089147-C-T.
Other names: c.1961G>A, p.Arg654Lys (NM_001201484.2, NM_152850.4); short protein forms R1071K, R654K.
Identifiers: ClinVar variation 1044129 (VCV001044129.9), dbSNP rs1829302818, ClinGen allele CA373316947.
Genomic context (GRCh38, chr9:35,089,150, plus strand): 5'-GGCTACCTCTGCTGGGCCAGAAATAGCTGCCTGAACCAGGAGCTCACAGCACCATCCACT[C>T]TCATCACCAAAGCTATGCCCAGGAGAAGTCCCACGCTGCTCACAATGAAGCCCACAGCCT-3'
Protein context (NP_116023.2, residues 1061-1081): GLLLGIALVM[Arg1071Lys]VDGAVSSWFR

ClinVar aggregate classification (germline): Uncertain significance (1 of 4 stars; one submission).

Conditions:
Hyperphosphatasia with impaired intellectual development syndrome 2. Also called: Hyperphosphatasia with intellectual disability syndrome 2; GLYCOSYLPHOSPHATIDYLINOSITOL BIOSYNTHESIS DEFECT 6. Identifiers: Orphanet 247262, MedGen C3553637, MONDO:0013882, OMIM 614749.

Submission:

Labcorp Genetics (formerly Invitae), Labcorp
Classification: Uncertain significance for Hyperphosphatasia with impaired intellectual development syndrome 2. Last evaluated: 2020-01-06. Review status: criteria provided, single submitter. Criteria: Invitae Variant Classification Sherloc (09022015). Collection method: clinical testing. Allele origin: germline.
Comment: Algorithms developed to predict the effect of missense changes on protein structure and function are either unavailable or do not agree on the potential impact of this missense change (SIFT: "Tolerated"; PolyPhen-2: "Possibly Damaging"; Align-GVGD: "Class C0"). In summary, the available evidence is currently insufficient to determine the role of this variant in disease. Therefore, it has been classified as a Variant of Uncertain Significance. This variant has not been reported in the literature in individuals with PIGO-related conditions. This variant is not present in population databases (ExAC no frequency). This sequence change replaces arginine with lysine at codon 1071 of the PIGO protein (p.Arg1071Lys). The arginine residue is moderately conserved and there is a small physicochemical difference between arginine and lysine.